The following is an entry in ClinVar:

NM_001854.4(COL11A1):c.2009G>C (p.Gly670Ala)

Gene: COL11A1 (collagen type XI alpha 1 chain; minus strand). Cytogenetic location: 1p21.1.
Variant type: single nucleotide variant.
Coding change: c.2009G>C on transcript NM_001854.4 (MANE Select); coding-DNA position 2009, G replaced by C.
Protein change: p.Gly670Ala; replaces glycine 670 with alanine.
Molecular consequence: missense variant. On other transcripts: non-coding transcript variant (1).
Genome position (GRCh38, 1-based): chr1:103,002,781, C>G on the plus strand (G>C on the coding strand, the complement: COL11A1 is on the minus strand). VCF-style: chr1-103002781-C-G. GRCh37 (hg19) VCF-style: chr1-103468337-C-G.
Other names: c.1892G>C, p.Gly631Ala (NM_001190709.2); c.2045G>C, p.Gly682Ala (NM_080629.3); c.1661G>C, p.Gly554Ala (NM_080630.4); short protein forms G554A, G631A, G670A, G682A.
Identifiers: ClinVar variation 1305044 (VCV001305044.2), dbSNP rs2101833015, ClinGen allele CA341171471.

ClinVar aggregate classification (germline): Uncertain significance (1 of 4 stars; one submission).

Submission:

GeneDx
Classification: Uncertain significance. Last evaluated: 2019-04-18. Review status: criteria provided, single submitter. Criteria: GeneDx Variant Classification Process June 2021. Collection method: clinical testing. Allele origin: germline. Affected: yes.
Comment: Not observed in large population cohorts (Lek et al., 2016); In silico analysis, which includes protein predictors and evolutionary conservation, supports a deleterious effect; Has not been previously published as pathogenic or benign to our knowledge